The following is an entry in ClinVar:

NM_022370.4(ROBO3):c.2146T>G (p.Trp716Gly)

Gene: ROBO3 (roundabout guidance receptor 3; plus strand). Cytogenetic location: 11q24.2.
Variant type: single nucleotide variant.
Coding change: c.2146T>G on transcript NM_022370.4 (MANE Select); coding-DNA position 2146, T replaced by G.
Protein change: p.Trp716Gly; replaces tryptophan 716 with glycine.
Molecular consequence: missense variant.
Genome position (GRCh38, 1-based): chr11:124,875,183, T>G. VCF-style: chr11-124875183-T-G. GRCh37 (hg19) VCF-style: chr11-124745079-T-G.
Other names: short protein forms W716G.
Identifiers: ClinVar variation 2637036 (VCV002637036.2), dbSNP rs2497289867, ClinGen allele CA383146667.

ClinVar aggregate classification (germline): Uncertain significance. Review status: criteria provided, multiple submitters, no conflicts (2 of 4 stars). 2 submissions from 2 submitters: Uncertain significance (2). Last evaluated 2024-03-18.

Conditions:
ROBO3-related disorder. Also called: ROBO3-related condition.

gnomAD v4.1: 3 of 1,613,696 alleles (0.00019%); highest among the groups gnomAD compares: Non-Finnish European, 0.00025%; no homozygotes.

Submissions (2):

Blueprint Genetics
Classification: Uncertain significance. Last evaluated: 2024-03-18. Review status: criteria provided, single submitter. Criteria: ACMG Guidelines, 2015. Collection method: clinical testing. Allele origin: germline.

PreventionGenetics, part of Exact Sciences
Classification: Uncertain significance for ROBO3-related condition. Last evaluated: 2022-10-04. Review status: criteria provided, single submitter. Criteria: ACMG Guidelines, 2015. Collection method: clinical testing. Allele origin: germline.
Comment: The ROBO3 c.2146T>G variant is predicted to result in the amino acid substitution p.Trp716Gly. To our knowledge, this variant has not been reported in the literature or in a large population database, indicating this variant is rare. At this time, the clinical significance of this variant is uncertain due to the absence of conclusive functional and genetic evidence.